The following is an entry in ClinVar:

ClinVar aggregate classification (germline): Uncertain significance (1 of 4 stars; one submission).

Conditions:
Congenital muscular hypertrophy-cerebral syndrome (CDLS2). Also called: Cornelia de Lange syndrome 2; SMC1A-Related Cornelia de Lange Syndrome. Identifiers: Orphanet 199, MedGen C1802395, MONDO:0010370, OMIM 300590.

Submission:

Labcorp Genetics (formerly Invitae), Labcorp
Classification: Uncertain significance for Congenital muscular hypertrophy-cerebral syndrome. Last evaluated: 2021-10-15. Review status: criteria provided, single submitter. Criteria: Invitae Variant Classification Sherloc (09022015). Collection method: clinical testing. Allele origin: germline.
Comment: This sequence change replaces arginine with proline at codon 329 of the SMC1A protein (p.Arg329Pro). The arginine residue is moderately conserved and there is a moderate physicochemical difference between arginine and proline. In summary, the available evidence is currently insufficient to determine the role of this variant in disease. Therefore, it has been classified as a Variant of Uncertain Significance. Advanced modeling of protein sequence and biophysical properties (such as structural, functional, and spatial information, amino acid conservation, physicochemical variation, residue mobility, and thermodynamic stability) performed at Invitae indicates that this missense variant is not expected to disrupt SMC1A protein function. This variant has not been reported in the literature in individuals affected with SMC1A-related conditions. This variant is not present in population databases (ExAC no frequency).

NM_006306.4(SMC1A):c.986G>C (p.Arg329Pro)

Gene: SMC1A (structural maintenance of chromosomes 1A; minus strand). Cytogenetic location: Xp11.22.
Variant type: single nucleotide variant.
Coding change: c.986G>C on transcript NM_006306.4 (MANE Select); coding-DNA position 986, G replaced by C.
Protein change: p.Arg329Pro; replaces arginine 329 with proline.
Molecular consequence: missense variant.
Genome position (GRCh38, 1-based): chrX:53,412,122, C>G on the plus strand (G>C on the coding strand, the complement: SMC1A is on the minus strand). VCF-style: chrX-53412122-C-G. GRCh37 (hg19) VCF-style: chrX-53439072-C-G.
Other names: c.920G>C, p.Arg307Pro (NM_001281463.1); short protein forms R307P, R329P.
Identifiers: ClinVar variation 1525757 (VCV001525757.6), dbSNP rs782449052, ClinGen allele CA413257573.